The following is an entry in ClinVar:

NM_032595.5(PPP1R9B):c.2254G>A (p.Glu752Lys)

Gene: PPP1R9B (protein phosphatase 1 regulatory subunit 9B; minus strand). Cytogenetic location: 17q21.33.
Variant type: single nucleotide variant.
Coding change: c.2254G>A on transcript NM_032595.5 (MANE Select); coding-DNA position 2254, G replaced by A.
Protein change: p.Glu752Lys; replaces glutamic acid 752 with lysine.
Molecular consequence: missense variant.
Genome position (GRCh38, 1-based): chr17:50,136,017, C>T on the plus strand (G>A on the coding strand, the complement: PPP1R9B is on the minus strand). VCF-style: chr17-50136017-C-T. GRCh37 (hg19) VCF-style: chr17-48213382-C-T.
Other names: short protein forms E752K.
Identifiers: ClinVar variation 3037007 (VCV003037007.1), dbSNP rs1359760756, ClinGen allele CA400184348.

ClinVar aggregate classification (germline): Uncertain significance (1 of 4 stars; one submission).

Conditions:
PPP1R9B-related disorder. Also called: PPP1R9B-related condition.

Submission:

PreventionGenetics, part of Exact Sciences
Classification: Uncertain significance for PPP1R9B-related condition. Last evaluated: 2024-01-22. Review status: criteria provided, single submitter. Criteria: ACMG Guidelines, 2015. Collection method: clinical testing. Allele origin: germline.
Comment: The PPP1R9B c.2254G>A variant is predicted to result in the amino acid substitution p.Ala752Thr. This variant has been detected with de novo occurrence in four large autism sequencing cohorts (described using hg19 coordinates 17:48213378:C:T or hg38 coordinates 17:50136013:C:T), but based on the patient ID#s given in the studies there are actually only two separate individuals being reported (Yuen et al. 2016. PubMed ID: 27525107, S3- Table S4; Satterstrom et al. 2020. PubMed ID: 31981491, Table S1; Fu et al. 2022. PubMed ID: 35982160, Supplementary Table 20; Zhou et al. 2022. PubMed ID: 35982159, Supp Data 1). This variant is documented in one allele in gnomAD (0.0032% of alleles in individuals of Latino descent). At this time, the clinical significance of this variant is uncertain due to the absence of conclusive functional and genetic evidence.